The following is an entry in ClinVar:

ClinVar aggregate classification (germline): Uncertain significance (1 of 4 stars; one submission).

Conditions:
Hypertrophic cardiomyopathy. Also called: HYPERTROPHIC MYOCARDIOPATHY. Identifiers: Orphanet 217569, MedGen C0007194, MeSH D002312, MONDO:0005045, HP:0001639.

Submission:

Labcorp Genetics (formerly Invitae), Labcorp
Classification: Uncertain significance for Hypertrophic cardiomyopathy. Last evaluated: 2022-01-05. Review status: criteria provided, single submitter. Criteria: Invitae Variant Classification Sherloc (09022015). Collection method: clinical testing. Allele origin: germline.
Comment: In summary, the available evidence is currently insufficient to determine the role of this variant in disease. Therefore, it has been classified as a Variant of Uncertain Significance. Algorithms developed to predict the effect of sequence changes on RNA splicing suggest that this variant may create or strengthen a splice site. This variant has not been reported in the literature in individuals affected with MYOM1-related conditions. This variant is not present in population databases (gnomAD no frequency). This sequence change affects codon 1454 of the MYOM1 mRNA. It is a 'silent' change, meaning that it does not change the encoded amino acid sequence of the MYOM1 protein.

NM_003803.4(MYOM1):c.4362A>G (p.Glu1454=)

Gene: MYOM1 (myomesin 1; minus strand). Cytogenetic location: 18p11.31.
Variant type: single nucleotide variant.
Coding change: c.4362A>G on transcript NM_003803.4 (MANE Select); coding-DNA position 4362, A replaced by G.
Protein change: p.Glu1454=; no amino-acid change (glutamic acid 1454 retained).
Molecular consequence: synonymous variant.
Genome position (GRCh38, 1-based): chr18:3,084,005, T>C on the plus strand (A>G on the coding strand, the complement: MYOM1 is on the minus strand). VCF-style: chr18-3084005-T-C. GRCh37 (hg19) VCF-style: chr18-3084003-T-C.
Other names: c.4074A>G, p.Glu1358= (NM_019856.2).
Identifiers: ClinVar variation 2075283 (VCV002075283.4), dbSNP rs2510486589, ClinGen allele CA502682738.
Genomic context (GRCh38, chr18:3,084,005, plus strand): 5'-GGAGGATCATAAAGCATTGTTGTGGTGCGAAATGTTTGACTCACCTATTTTTTTGCATAC[T>C]TCCATCATCAGTTCCTTAAAGGCTGTGGAGAGAGATTCAGAGCCAAAACTTTAGCATAAA-3'
Protein context (NP_003794.3, residues 1444-1464): VDEAFKELMM[Glu1454=]VCKKIALSAT